The following is an entry in ClinVar:

NM_001851.6(COL9A1):c.1030-178T>C

Gene: COL9A1 (collagen type IX alpha 1 chain; minus strand). Cytogenetic location: 6q13.
Variant type: single nucleotide variant.
Coding change: c.1030-178T>C on transcript NM_001851.6 (MANE Select); 178 bases into the intron before coding-DNA position 1030, T replaced by C.
Molecular consequence: intron variant.
Genome position (GRCh38, 1-based): chr6:70,274,260, A>G on the plus strand (T>C on the coding strand, the complement: COL9A1 is on the minus strand). VCF-style: chr6-70274260-A-G. GRCh37 (hg19) VCF-style: chr6-70983963-A-G.
Other names: c.301-178T>C (NM_001377290.1, NM_078485.4, NM_001377289.1).
Identifiers: ClinVar variation 677872 (VCV000677872.1), dbSNP rs701683, ClinGen allele CA140818096.
Genomic context (GRCh38, chr6:70,274,260, plus strand): 5'-ATTTCCAACTTTTATTTTAAGTTCAGGGGTACATGTGCAGGATGTGCAGGTTTGTTACAT[A>G]GGTAAACATGTTCCATGGTAGTTTGCTGCACAGATCATCCCATCACCCAGCTATTAAGCC-3'

ClinVar aggregate classification (germline): Benign (1 of 4 stars; one submission).

Allele frequency attached by ClinVar (database versions not stated): gnomAD 0.11857 and 0.12073; 1000 Genomes Project 0.12200; TOPMed 0.12332; 1000 Genomes Project 30x 0.12695.
gnomAD v4.1: 17,924 of 151,808 alleles (12%); highest among the groups gnomAD compares: African/African-American, 20%; 1,345 homozygotes.

Submission:

GeneDx
Classification: Benign. Last evaluated: 2018-06-14. Review status: criteria provided, single submitter. Criteria: GeneDx Variant Classification (06012015). Collection method: clinical testing. Allele origin: germline. Affected: yes.
Comment: This variant is considered likely benign or benign based on one or more of the following criteria: it is a conservative change, it occurs at a poorly conserved position in the protein, it is predicted to be benign by multiple in silico algorithms, and/or has population frequency not consistent with disease.